The following is an entry in ClinVar:

NM_024649.5(BBS1):c.616T>G (p.Leu206Val)

Gene: BBS1 (Bardet-Biedl syndrome 1; plus strand). Cytogenetic location: 11q13.2.
Variant type: single nucleotide variant.
Coding change: c.616T>G on transcript NM_024649.5 (MANE Select); coding-DNA position 616, T replaced by G.
Protein change: p.Leu206Val; replaces leucine 206 with valine.
Molecular consequence: missense variant.
Genome position (GRCh38, 1-based): chr11:66,519,641, T>G. VCF-style: chr11-66519641-T-G. GRCh37 (hg19) VCF-style: chr11-66287112-T-G.
Other names: short protein forms L206V.
Identifiers: ClinVar variation 402408 (VCV000402408.28), dbSNP rs146052054, ClinGen allele CA6123433.
Genomic context (GRCh38, chr11:66,519,641, plus strand): 5'-GAGGTTCCCTGGGTGACCCCTGGAGTCCTTCTGTAGACAGTCATCACCACCATGACCACC[T>G]TGAAGAAGAACCTGGCTGACGAGGATGCTGTGTCTTGCCTGGTGCTGGGCACCGAGAACA-3'
Protein context (NP_078925.3, residues 196-216): RQTVITTMTT[Leu206Val]KKNLADEDAV

ClinVar aggregate classification (germline): Conflicting classifications of pathogenicity. Review status: criteria provided, conflicting classifications (1 of 4 stars). 7 submissions from 7 submitters: Uncertain significance (4); Likely benign (2). 1 of the submissions does not count toward it. Last evaluated 2026-01-26.

Conditions:
BBS1-related disorder. Also called: BBS1-related condition.
Bardet-Biedl syndrome (BBS). Identifiers: Orphanet 110, MedGen C0752166, MONDO:0015229.
Bardet-Biedl syndrome 1 (BBS1). Identifiers: MedGen C2936862, MONDO:0008854, OMIM 209900. Disease mechanism: loss of function.

Allele frequency attached by ClinVar (database versions not stated): 1000 Genomes Project 30x 0.00031; 1000 Genomes Project 0.00040; ExAC 0.00050; gnomAD exomes 0.00050 and 0.00111; gnomAD 0.00061 and 0.00066; TOPMed 0.00078; ESP Exome Variant Server 0.00100.
gnomAD v4.1: 1,696 of 1,613,930 alleles (0.11%); highest among the groups gnomAD compares: Non-Finnish European, 0.14%; 2 homozygotes.

Submissions (7):

Labcorp Genetics (formerly Invitae), Labcorp
Classification: Likely benign for Bardet-Biedl syndrome. Last evaluated: 2026-01-26. Review status: criteria provided, single submitter. Criteria: Invitae Variant Classification Sherloc (09022015). Collection method: clinical testing. Allele origin: germline.

Blueprint Genetics
Classification: Likely benign. Last evaluated: 2024-11-19. Review status: criteria provided, single submitter. Criteria: ACMG Guidelines, 2015. Collection method: clinical testing. Allele origin: germline.

Genetic Services Laboratory, University of Chicago
Classification: Uncertain significance. Last evaluated: 2018-09-12. Review status: criteria provided, single submitter. Criteria: ACMG Guidelines, 2015. Collection method: clinical testing. Allele origin: germline. Affected: no.

Illumina Laboratory Services, Illumina
Classification: Uncertain significance for Bardet-Biedl syndrome 1. Last evaluated: 2017-11-19. Review status: criteria provided, single submitter. Criteria: ICSL Variant Classification Criteria 13 December 2019. Collection method: clinical testing. Allele origin: germline.
Comment: This variant was observed as part of a predisposition screen in an ostensibly healthy population. A literature search was performed for the gene, cDNA change, and amino acid change (where applicable). Publications were found based on this search. However, the evidence from the literature, in combination with allele frequency data from public databases where available, was not sufficient to rule this variant in or out of causing disease. Therefore, this variant is classified as a variant of unknown significance.

Eurofins Ntd Llc (ga)
Classification: Uncertain significance. Last evaluated: 2016-10-03. Review status: criteria provided, single submitter. Criteria: EGL Classification Definitions 2015. Collection method: clinical testing. Allele origin: germline. Observed: 1 variant allele, 1 heterozygote.

Laboratory for Molecular Medicine, Mass General Brigham Personalized Medicine
Classification: Uncertain significance. Last evaluated: 2016-03-29. Review status: criteria provided, single submitter. Criteria: LMM Criteria. Collection method: clinical testing. Allele origin: germline.
Comment: Variant identified in a genome or exome case(s) and assessed due to predicted null impact of the variant or pathogenic assertions in the literature or databases. Disclaimer: This variant has not undergone full assessment. The following are preliminary notes: 0.07% in European with 1 homozygote, not in ClinVar. DM? in HGMD. OB 8/24/15: Has been reported in 1 patient with BBS who had 2 other variants in BBS1 (Janssen 2011). Agree that it is VUS4.

PreventionGenetics, part of Exact Sciences
Classification: Likely benign for BBS1-related condition. Last evaluated: 2024-08-13. Review status: no assertion criteria provided. Collection method: clinical testing. Allele origin: germline. Not counted in ClinVar's aggregate classification.
Comment: This variant is classified as likely benign based on ACMG/AMP sequence variant interpretation guidelines (Richards et al. 2015 PMID: 25741868, with internal and published modifications).

Literature cited by the submitters: PubMed 21052717 (cited by Illumina Laboratory Services, Illumina).